The following is an entry in ClinVar:

NM_000059.4(BRCA2):c.8557A>G (p.Lys2853Glu)

Gene: BRCA2 (BRCA2 DNA repair associated; plus strand). Cytogenetic location: 13q13.1.
Variant type: single nucleotide variant.
Coding change: c.8557A>G on transcript NM_000059.4 (MANE Select); coding-DNA position 8557, A replaced by G.
Protein change: p.Lys2853Glu; replaces lysine 2853 with glutamic acid.
Molecular consequence: missense variant.
Genome position (GRCh38, 1-based): chr13:32,371,025, A>G. VCF-style: chr13-32371025-A-G. GRCh37 (hg19) VCF-style: chr13-32945162-A-G.
Other names: c.8461A>G, p.Lys2821Glu (NM_001406719.1); c.8557A>G, p.Lys2853Glu (NM_001406720.1); c.3625A>G, p.Lys1209Glu (NM_001406721.1); c.2140A>G, p.Lys714Glu (NM_001406722.1); short protein forms K714E, K1209E, K2821E, K2853E.
Identifiers: ClinVar variation 1763834 (VCV001763834.6), dbSNP rs1057517865, ClinGen allele CA387752791.

ClinVar aggregate classification (germline): Conflicting classifications of pathogenicity. Review status: criteria provided, conflicting classifications (1 of 4 stars). 2 submissions from 2 submitters: Uncertain significance (1); Likely benign (1). Last evaluated 2025-05-15.

Conditions:
Hereditary cancer-predisposing syndrome. Also called: Neoplastic Syndromes, Hereditary; Tumor predisposition; Hereditary Cancer Syndrome; Hereditary neoplastic syndrome. Identifiers: Orphanet 140162, MedGen C0027672, MeSH D009386, MONDO:0015356.
Hereditary breast ovarian cancer syndrome. Also called: Hereditary breast and ovarian cancer; Hereditary breast and ovarian cancer syndrome (HBOC); BRCA1- and BRCA2-Associated Hereditary Breast and Ovarian Cancer; Breast and ovarian cancer; Hereditary breast and/or ovarian cancer syndrome; Hereditary breast and ovarian cancer syndrome. Identifiers: Orphanet 145, MedGen C0677776, MeSH D061325, MONDO:0003582. Disease mechanism: loss of function.

Submissions (2):

Ambry Genetics
Classification: Likely benign for Hereditary cancer-predisposing syndrome. Last evaluated: 2025-05-15. Review status: criteria provided, single submitter. Criteria: Ambry Variant Classification Scheme 2023. Collection method: clinical testing. Allele origin: germline.

Labcorp Genetics (formerly Invitae), Labcorp
Classification: Uncertain significance for Hereditary breast ovarian cancer syndrome. Last evaluated: 2023-11-24. Review status: criteria provided, single submitter. Criteria: Invitae Variant Classification Sherloc (09022015). Collection method: clinical testing. Allele origin: germline.
Comment: This sequence change replaces lysine, which is basic and polar, with glutamic acid, which is acidic and polar, at codon 2853 of the BRCA2 protein (p.Lys2853Glu). This variant is not present in population databases (gnomAD no frequency). This variant has not been reported in the literature in individuals affected with BRCA2-related conditions. ClinVar contains an entry for this variant (Variation ID: 1763834). Advanced modeling of protein sequence and biophysical properties (such as structural, functional, and spatial information, amino acid conservation, physicochemical variation, residue mobility, and thermodynamic stability) performed at Invitae indicates that this missense variant is not expected to disrupt BRCA2 protein function with a negative predictive value of 95%. In summary, the available evidence is currently insufficient to determine the role of this variant in disease. Therefore, it has been classified as a Variant of Uncertain Significance.